The following is an entry in ClinVar:

ClinVar aggregate classification (germline): Uncertain significance (1 of 4 stars; one submission).

Conditions:
Hereditary nonpolyposis colorectal neoplasms. Identifiers: MedGen C0009405, MeSH D003123.

gnomAD v4.1: 1 of 1,610,826 alleles (0.000062%); highest among the groups gnomAD compares: Non-Finnish European, 0.000085%; no homozygotes.

Submission:

Labcorp Genetics (formerly Invitae), Labcorp
Classification: Uncertain significance for Hereditary nonpolyposis colorectal neoplasms. Last evaluated: 2022-05-07. Review status: criteria provided, single submitter. Criteria: Invitae Variant Classification Sherloc (09022015). Collection method: clinical testing. Allele origin: germline.
Comment: This sequence change replaces aspartic acid, which is acidic and polar, with histidine, which is basic and polar, at codon 48 of the PMS2 protein (p.Asp48His). This variant is not present in population databases (gnomAD no frequency). This variant has not been reported in the literature in individuals affected with PMS2-related conditions. Advanced modeling of protein sequence and biophysical properties (such as structural, functional, and spatial information, amino acid conservation, physicochemical variation, residue mobility, and thermodynamic stability) performed at Invitae indicates that this missense variant is expected to disrupt PMS2 protein function. In summary, the available evidence is currently insufficient to determine the role of this variant in disease. Therefore, it has been classified as a Variant of Uncertain Significance.

NM_000535.7(PMS2):c.142G>C (p.Asp48His)

Gene: PMS2 (PMS1 homolog 2, mismatch repair system component; minus strand). Cytogenetic location: 7p22.1.
Variant type: single nucleotide variant.
Coding change: c.142G>C on transcript NM_000535.7 (MANE Select); coding-DNA position 142, G replaced by C.
Protein change: p.Asp48His; replaces aspartic acid 48 with histidine.
Molecular consequence: missense variant. On other transcripts: 5 prime UTR variant (8), non-coding transcript variant (1), intron variant (3).
Genome position (GRCh38, 1-based): chr7:6,005,913, C>G on the plus strand (G>C on the coding strand, the complement: PMS2 is on the minus strand). VCF-style: chr7-6005913-C-G. GRCh37 (hg19) VCF-style: chr7-6045544-C-G.
Other names: c.142G>C, p.Asp48His (NM_001406874.1, NM_001406884.1, NM_001406885.1 and 10 more transcripts); c.-343G>C (NM_001406875.1, NM_001406877.1, NM_001406878.1 and 2 more transcripts); c.-74G>C (NM_001406876.1, NM_001406896.1, NM_001406901.1 and 4 more transcripts); c.-290G>C (NM_001406880.1); c.-211G>C (NM_001406892.1, NM_001406894.1, NM_001406899.1 and 5 more transcripts); c.-264G>C (NM_001406893.1, NM_001406897.1, NM_001406898.1 and 11 more transcripts); c.-240G>C (NM_001406900.1); c.-254G>C (NM_001406890.1); and 4 more; short protein forms D110H, D48H.
Identifiers: ClinVar variation 2135276 (VCV002135276.4), dbSNP rs755665894, ClinGen allele CA366744984.